The following is an entry in ClinVar:

NM_000535.7(PMS2):c.2429G>A (p.Arg810Lys)

Gene: PMS2 (PMS1 homolog 2, mismatch repair system component; minus strand). Cytogenetic location: 7p22.1.
Variant type: single nucleotide variant.
Coding change: c.2429G>A on transcript NM_000535.7 (MANE Select); coding-DNA position 2429, G replaced by A.
Protein change: p.Arg810Lys; replaces arginine 810 with lysine.
Molecular consequence: missense variant. On other transcripts: non-coding transcript variant (1).
Genome position (GRCh38, 1-based): chr7:5,977,604, C>T on the plus strand (G>A on the coding strand, the complement: PMS2 is on the minus strand). VCF-style: chr7-5977604-C-T. GRCh37 (hg19) VCF-style: chr7-6017235-C-T.
Other names: c.2024G>A, p.Arg675Lys (NM_001322003.2, NM_001322004.2, NM_001322005.2); c.2273G>A, p.Arg758Lys (NM_001322006.2); c.2111G>A, p.Arg704Lys (NM_001322007.2, NM_001322008.2); c.2057G>A, p.Arg686Lys (NM_001322009.2); c.1868G>A, p.Arg623Lys (NM_001322010.2); c.1496G>A, p.Arg499Lys (NM_001322011.2, NM_001322012.2); c.1856G>A, p.Arg619Lys (NM_001322013.2); c.2462G>A, p.Arg821Lys (NM_001322014.2); and 1 more; short protein forms R499K, R686K, R704K, R821K, R619K, R623K, R707K, R810K.
Identifiers: ClinVar variation 821258 (VCV000821258.12), dbSNP rs535705597, ClinGen allele CA048109.

ClinVar aggregate classification (germline): Uncertain significance. Review status: criteria provided, multiple submitters, no conflicts (2 of 4 stars). 2 submissions from 2 submitters: Uncertain significance (2). Last evaluated 2025-12-02.

Conditions:
Hereditary cancer-predisposing syndrome. Also called: Neoplastic Syndromes, Hereditary; Tumor predisposition; Hereditary Cancer Syndrome; Hereditary neoplastic syndrome. Identifiers: Orphanet 140162, MedGen C0027672, MeSH D009386, MONDO:0015356.
Hereditary nonpolyposis colorectal neoplasms. Identifiers: MedGen C0009405, MeSH D003123.

Allele frequency attached by ClinVar (database versions not stated): gnomAD exomes below 0.00001; ExAC 0.00002; 1000 Genomes Project 30x 0.00016; 1000 Genomes Project 0.00020.

Submissions (2):

Labcorp Genetics (formerly Invitae), Labcorp
Classification: Uncertain significance for Hereditary nonpolyposis colorectal neoplasms. Last evaluated: 2025-12-02. Review status: criteria provided, single submitter. Criteria: Invitae Variant Classification Sherloc (09022015). Collection method: clinical testing. Allele origin: germline.
Comment: This sequence change replaces arginine, which is basic and polar, with lysine, which is basic and polar, at codon 810 of the PMS2 protein (p.Arg810Lys). The frequency data for this variant in the population databases (gnomAD) is considered unreliable due to the presence of homologous sequence, such as pseudogenes or paralogs, in the genome. This variant has not been reported in the literature in individuals affected with PMS2-related conditions. ClinVar contains an entry for this variant (Variation ID: 821258). Invitae Evidence Modeling incorporating data from in vitro experimental studies (internal data) indicates that this missense variant is not expected to disrupt PMS2 function with a negative predictive value of 95%. In summary, the available evidence is currently insufficient to determine the role of this variant in disease. Therefore, it has been classified as a Variant of Uncertain Significance.

Ambry Genetics
Classification: Uncertain significance for Hereditary cancer-predisposing syndrome. Last evaluated: 2024-08-22. Review status: criteria provided, single submitter. Criteria: Ambry Variant Classification Scheme 2023. Collection method: clinical testing. Allele origin: germline.
Comment: The p.R810K variant (also known as c.2429G>A), located in coding exon 14 of the PMS2 gene, results from a G to A substitution at nucleotide position 2429. The arginine at codon 810 is replaced by lysine, an amino acid with highly similar properties. This amino acid position is highly conserved in available vertebrate species. In addition, the in silico prediction for this alteration is inconclusive. Based on the available evidence, the clinical significance of this variant remains unclear.